The following is an entry in ClinVar:

NM_001291415.2(KDM6A):c.1044C>G (p.Asp348Glu)

Gene: KDM6A (lysine demethylase 6A; plus strand). Cytogenetic location: Xp11.3.
Variant type: single nucleotide variant.
Coding change: c.1044C>G on transcript NM_001291415.2 (MANE Select); coding-DNA position 1044, C replaced by G.
Protein change: p.Asp348Glu; replaces aspartic acid 348 with glutamic acid.
Molecular consequence: missense variant. On other transcripts: non-coding transcript variant (1).
Genome position (GRCh38, 1-based): chrX:45,059,316, C>G. VCF-style: chrX-45059316-C-G. GRCh37 (hg19) VCF-style: chrX-44918561-C-G.
Other names: c.1044C>G, p.Asp348Glu (NM_001419811.1, NM_001419812.1, NM_001419813.1 and 9 more transcripts); c.291C>G, p.Asp97Glu (NM_001291421.2); short protein forms D348E, D97E.
Identifiers: ClinVar variation 3697234 (VCV003697234.2).
Genomic context (GRCh38, chrX:45,059,316, plus strand): 5'-TCAGCAGCAAAATCAGCCCATGGATGCTTTACAGGCCTATATTTGTGCTGTACAATTGGA[C>G]CATGGCCATGCTGCAGCCTGGATGGACCTAGGCACTCTCTATGAATCCTGCAACCAGCCT-3'
Protein context (NP_001278344.1, residues 338-358): LQAYICAVQL[Asp348Glu]HGHAAAWMDL

ClinVar aggregate classification (germline): Uncertain significance (1 of 4 stars; one submission).

Conditions:
Kabuki syndrome 2 (KABUK2). Also called: KDM6A-Related Kabuki Syndrome. Identifiers: Orphanet 2322, MedGen C3275495, MONDO:0010465, OMIM 300867.

Submission:

Labcorp Genetics (formerly Invitae), Labcorp
Classification: Uncertain significance for Kabuki syndrome 2. Last evaluated: 2024-02-22. Review status: criteria provided, single submitter. Criteria: Invitae Variant Classification Sherloc (09022015). Collection method: clinical testing. Allele origin: germline.
Comment: This sequence change replaces aspartic acid, which is acidic and polar, with glutamic acid, which is acidic and polar, at codon 348 of the KDM6A protein (p.Asp348Glu). This variant is not present in population databases (gnomAD no frequency). This variant has not been reported in the literature in individuals affected with KDM6A-related conditions. Advanced modeling of protein sequence and biophysical properties (such as structural, functional, and spatial information, amino acid conservation, physicochemical variation, residue mobility, and thermodynamic stability) has been performed at Invitae for this missense variant, however the output from this modeling did not meet the statistical confidence thresholds required to predict the impact of this variant on KDM6A protein function. In summary, the available evidence is currently insufficient to determine the role of this variant in disease. Therefore, it has been classified as a Variant of Uncertain Significance.